The following is an entry in ClinVar:

NC_000013.10:g.(?_32900942)_(32913475_?)del

Gene: BRCA2 (BRCA2 DNA repair associated; plus strand). Cytogenetic location: 13q13.1.
Variant type: Deletion.
Identifiers: ClinVar variation 3244190 (VCV003244190.1).

ClinVar aggregate classification (germline): Pathogenic (1 of 4 stars; one submission).

Conditions:
Hereditary breast ovarian cancer syndrome. Also called: Hereditary breast and ovarian cancer syndrome; Hereditary breast and ovarian cancer; Hereditary breast and ovarian cancer syndrome (HBOC); Breast and ovarian cancer; Hereditary breast and/or ovarian cancer syndrome; BRCA1- and BRCA2-Associated Hereditary Breast and Ovarian Cancer. Identifiers: Orphanet 145, MedGen C0677776, MeSH D061325, MONDO:0003582. Disease mechanism: loss of function.

Submission:

Labcorp Genetics (formerly Invitae), Labcorp
Classification: Pathogenic for Hereditary breast ovarian cancer syndrome. Last evaluated: 2022-02-24. Review status: criteria provided, single submitter. Criteria: Invitae Variant Classification Sherloc (09022015). Collection method: clinical testing. Allele origin: unknown.
Comment: For these reasons, this variant has been classified as Pathogenic. This variant has not been reported in the literature in individuals affected with BRCA2-related conditions. This variant results in the deletion of exons 8-10 and part of exon 11 (c.631+194_4985del) of the BRCA2 gene. It is expected to disrupt RNA splicing. Variants that disrupt the donor or acceptor splice site typically lead to a loss of protein function (PMID: 16199547), and loss-of-function variants in BRCA2 are known to be pathogenic (PMID: 20104584).

Literature cited by the submitters: PubMed 16199547; PubMed 20104584.